The following is an entry in ClinVar:

NM_005458.8(GABBR2):c.902G>T (p.Arg301Leu)

Gene: GABBR2 (gamma-aminobutyric acid type B receptor subunit 2; minus strand). Cytogenetic location: 9q22.33.
Variant type: single nucleotide variant.
Coding change: c.902G>T on transcript NM_005458.8 (MANE Select); coding-DNA position 902, G replaced by T.
Protein change: p.Arg301Leu; replaces arginine 301 with leucine.
Molecular consequence: missense variant.
Genome position (GRCh38, 1-based): chr9:98,473,243, C>A on the plus strand (G>T on the coding strand, the complement: GABBR2 is on the minus strand). VCF-style: chr9-98473243-C-A. GRCh37 (hg19) VCF-style: chr9-101235525-C-A.
Other names: short protein forms R301L.
Identifiers: ClinVar variation 1952151 (VCV001952151.5), dbSNP rs760023782, ClinGen allele CA374351439.

ClinVar aggregate classification (germline): Uncertain significance (1 of 4 stars; one submission).

Conditions:
Epileptic encephalopathy. Identifiers: MedGen C0543888, HP:0200134.

gnomAD v4.1: 4 of 1,613,520 alleles (0.00025%); highest among the groups gnomAD compares: Admixed American, 0.0033%; no homozygotes.

Submission:

Labcorp Genetics (formerly Invitae), Labcorp
Classification: Uncertain significance for Epileptic encephalopathy. Last evaluated: 2022-04-07. Review status: criteria provided, single submitter. Criteria: Invitae Variant Classification Sherloc (09022015). Collection method: clinical testing. Allele origin: germline.
Comment: In summary, the available evidence is currently insufficient to determine the role of this variant in disease. Therefore, it has been classified as a Variant of Uncertain Significance. Algorithms developed to predict the effect of missense changes on protein structure and function (SIFT, PolyPhen-2, Align-GVGD) all suggest that this variant is likely to be tolerated. This variant has not been reported in the literature in individuals affected with GABBR2-related conditions. This variant is present in population databases (no rsID available, gnomAD 0.003%). This sequence change replaces arginine, which is basic and polar, with leucine, which is neutral and non-polar, at codon 301 of the GABBR2 protein (p.Arg301Leu).